The following is an entry in ClinVar:

NM_022552.5(DNMT3A):c.2374C>T (p.Arg792Cys)

Gene: DNMT3A (DNA methyltransferase 3 alpha; minus strand). Cytogenetic location: 2p23.3.
Variant type: single nucleotide variant.
Coding change: c.2374C>T on transcript NM_022552.5 (MANE Select); coding-DNA position 2374, C replaced by T.
Protein change: p.Arg792Cys; replaces arginine 792 with cysteine.
Molecular consequence: missense variant. On other transcripts: non-coding transcript variant (1).
Genome position (GRCh38, 1-based): chr2:25,239,164, G>A on the plus strand (C>T on the coding strand, the complement: DNMT3A is on the minus strand). VCF-style: chr2-25239164-G-A. GRCh37 (hg19) VCF-style: chr2-25462033-G-A.
Other names: c.1918C>T, p.Arg640Cys (NM_001320893.1); c.1705C>T, p.Arg569Cys (NM_001375819.1); c.1807C>T, p.Arg603Cys (NM_153759.3); c.2374C>T, p.Arg792Cys (NM_175629.2); short protein forms R569C, R603C, R640C, R792C.
Identifiers: ClinVar variation 3354115 (VCV003354115.2).

ClinVar aggregate classification (germline): Uncertain significance. Review status: criteria provided, single submitter (1 of 4 stars). 2 submissions from 2 submitters: Uncertain significance (1). 1 of the submissions does not count toward it. Last evaluated 2025-03-12.

Conditions:
DNMT3A-related disorder. Also called: DNMT3A-related disorders; DNMT3A-related condition.

gnomAD v4.1: 2 of 1,614,086 alleles (0.00012%); highest among the groups gnomAD compares: Non-Finnish European, 0.00017%; no homozygotes.

Submissions (2):

GeneDx
Classification: Uncertain significance. Last evaluated: 2025-03-12. Review status: criteria provided, single submitter. Criteria: GeneDx Variant Classification Process June 2021. Collection method: clinical testing. Allele origin: germline. Affected: yes.
Comment: Reported in the published literature in a patient with cytogenetically normal acute myeloid leukemia (PMID: 36912186); Not observed at significant frequency in large population cohorts (gnomAD); In silico analysis supports that this missense variant has a deleterious effect on protein structure/function; This variant is associated with the following publications: (PMID: 37088956, 36912186, 34521115)

PreventionGenetics, part of Exact Sciences
Classification: Uncertain significance for DNMT3A-related condition. Last evaluated: 2024-04-24. Review status: no assertion criteria provided. Collection method: clinical testing. Allele origin: germline. Not counted in ClinVar's aggregate classification.
Comment: The DNMT3A c.2374C>T variant is predicted to result in the amino acid substitution p.Arg792Cys. This variant has been reported in a single patient with acute myeloid leukemia (AML) (Marková et al. 2012. PubMed ID: 21967546). This variant has not been reported in a large population database, indicating it is rare. At this time, the clinical significance of this variant is uncertain due to the absence of conclusive functional and genetic evidence.